The following is an entry in ClinVar:

ClinVar aggregate classification (germline): Uncertain significance. Review status: criteria provided, multiple submitters, no conflicts (2 of 4 stars). 2 submissions from 2 submitters: Uncertain significance (2). Last evaluated 2025-05-19.

Conditions:
Ehlers-Danlos syndrome, type 4 (EDSVASC). Also called: Ehlers-Danlos syndrome vascular type; Ehlers Danlos syndrome, ecchymotic type; Ehlers Danlos syndrome, arterial type; Ehlers Danlos syndrome, Sack-Barabas type; Ehlers-Danlos Syndrome Type IV. Identifiers: Orphanet 286, MedGen C0268338, MONDO:0017314, OMIM 130050.

Allele frequency attached by ClinVar (database versions not stated): gnomAD exomes below 0.00001; TOPMed below 0.00001; gnomAD 0.00001.
gnomAD v4.1: 3 of 1,613,844 alleles (0.00019%); highest among the groups gnomAD compares: Non-Finnish European, 0.00025%; no homozygotes.

Submissions (2):

GeneDx
Classification: Uncertain significance. Last evaluated: 2025-05-19. Review status: criteria provided, single submitter. Criteria: GeneDx Variant Classification Process June 2021. Collection method: clinical testing. Allele origin: germline. Affected: yes.
Comment: Not observed at significant frequency in large population cohorts (gnomAD); In silico analysis supports that this missense variant has a deleterious effect on protein structure/function; Has not been previously published as pathogenic or benign to our knowledge; Also known as p.(P168H); Occurs in the triple helical domain at the X position in the canonical Gly-X-Y repeat; although this variant may have an effect on normal protein folding and function, missense substitution at the X position is not a common mechanism of disease (HGMD)

Labcorp Genetics (formerly Invitae), Labcorp
Classification: Uncertain significance for Ehlers-Danlos syndrome, type 4. Last evaluated: 2020-12-03. Review status: criteria provided, single submitter. Criteria: Invitae Variant Classification Sherloc (09022015). Collection method: clinical testing. Allele origin: germline.
Comment: In summary, the available evidence is currently insufficient to determine the role of this variant in disease. Therefore, it has been classified as a Variant of Uncertain Significance. Advanced modeling of protein sequence and biophysical properties (such as structural, functional, and spatial information, amino acid conservation, physicochemical variation, residue mobility, and thermodynamic stability) performed at Invitae indicates that this missense variant is not expected to disrupt COL3A1 protein function. This variant has not been reported in the literature in individuals with COL3A1-related conditions. This variant is not present in population databases (ExAC no frequency). This sequence change replaces proline with histidine at codon 335 of the COL3A1 protein (p.Pro335His). The proline residue is highly conserved and there is a moderate physicochemical difference between proline and histidine.

NM_000090.4(COL3A1):c.1004C>A (p.Pro335His)

Gene: COL3A1 (collagen type III alpha 1 chain; plus strand). Cytogenetic location: 2q32.2.
Variant type: single nucleotide variant.
Coding change: c.1004C>A on transcript NM_000090.4 (MANE Select); coding-DNA position 1004, C replaced by A.
Protein change: p.Pro335His; replaces proline 335 with histidine.
Molecular consequence: missense variant.
Genome position (GRCh38, 1-based): chr2:188,992,894, C>A. VCF-style: chr2-188992894-C-A. GRCh37 (hg19) VCF-style: chr2-189857620-C-A.
Other names: c.1004C>A (NM_000090.3); short protein forms P335H.
Identifiers: ClinVar variation 1490809 (VCV001490809.9), dbSNP rs1688217356, ClinGen allele CA349850179.
Genomic context (GRCh38, chr2:188,992,894, plus strand): 5'-CAGCTTTCATTTAGTTGAAAAAGAGCTCTTGAAATTGTATTTAATTTTTTCAGGGCCCTC[C>A]TGGTCCTCCTGGAACTGCCGGATTCCCTGGATCCCCTGGTGCTAAGGTAAACATGTGTTT-3'
Protein context (NP_000081.2, residues 325-345): ARGSDGQPGP[Pro335His]GPPGTAGFPG